The following is an entry in ClinVar:

NM_203447.4(DOCK8):c.428G>T (p.Cys143Phe)

Gene: DOCK8 (dedicator of cytokinesis 8; plus strand). Cytogenetic location: 9p24.3.
Variant type: single nucleotide variant.
Coding change: c.428G>T on transcript NM_203447.4 (MANE Select); coding-DNA position 428, G replaced by T.
Protein change: p.Cys143Phe; replaces cysteine 143 with phenylalanine.
Molecular consequence: missense variant.
Genome position (GRCh38, 1-based): chr9:304,604, G>T. VCF-style: chr9-304604-G-T. GRCh37 (hg19) VCF-style: chr9-304604-G-T.
Other names: c.224G>T, p.Cys75Phe (NM_001190458.2, NM_001193536.2); short protein forms C75F, C143F.
Identifiers: ClinVar variation 656024 (VCV000656024.8), dbSNP rs770350243, ClinGen allele CA4957241.

ClinVar aggregate classification (germline): Uncertain significance. Review status: criteria provided, multiple submitters, no conflicts (2 of 4 stars). 2 submissions from 2 submitters: Uncertain significance (2). Last evaluated 2025-08-08.

Conditions:
Hyper-IgE recurrent infection syndrome 3, autosomal recessive. Also called: Autosomal recessive hyper-IgE syndrome due to ZNF341 deficiency; HYPER-IgE SYNDROME 3, AUTOSOMAL RECESSIVE, WITH RECURRENT INFECTIONS. Identifiers: Orphanet 641368, MedGen C4748969, MONDO:0032654, OMIM 618282.
Inborn genetic diseases. Identifiers: MedGen C0950123, MeSH D030342.

Allele frequency attached by ClinVar (database versions not stated): gnomAD 0.00001; TOPMed 0.00002; gnomAD exomes 0.00003 and 0.00005; ExAC 0.00006.
gnomAD v4.1: 55 of 1,614,064 alleles (0.0034%); highest among the groups gnomAD compares: Non-Finnish European, 0.00085%; no homozygotes.

Submissions (2):

Ambry Genetics
Classification: Uncertain significance for Inborn genetic diseases. Last evaluated: 2025-08-08. Review status: criteria provided, single submitter. Criteria: Ambry Variant Classification Scheme 2023. Collection method: clinical testing. Allele origin: germline.

Labcorp Genetics (formerly Invitae), Labcorp
Classification: Uncertain significance for Combined immunodeficiency due to DOCK8 deficiency. Last evaluated: 2023-09-05. Review status: criteria provided, single submitter. Criteria: Invitae Variant Classification Sherloc (09022015). Collection method: clinical testing. Allele origin: germline.
Comment: This sequence change replaces cysteine, which is neutral and slightly polar, with phenylalanine, which is neutral and non-polar, at codon 143 of the DOCK8 protein (p.Cys143Phe). This variant is present in population databases (rs770350243, gnomAD 0.1%). This variant has not been reported in the literature in individuals affected with DOCK8-related conditions. ClinVar contains an entry for this variant (Variation ID: 656024). Algorithms developed to predict the effect of missense changes on protein structure and function output the following: SIFT: "Not Available"; PolyPhen-2: "Benign"; Align-GVGD: "Not Available". The phenylalanine amino acid residue is found in multiple mammalian species, which suggests that this missense change does not adversely affect protein function. In summary, the available evidence is currently insufficient to determine the role of this variant in disease. Therefore, it has been classified as a Variant of Uncertain Significance.